The following is an entry in ClinVar:

NM_020166.5(MCCC1):c.1302T>G (p.Ile434Met)

Gene: MCCC1 (methylcrotonyl-CoA carboxylase subunit 1; minus strand). Cytogenetic location: 3q27.1.
Variant type: single nucleotide variant.
Coding change: c.1302T>G on transcript NM_020166.5 (MANE Select); coding-DNA position 1302, T replaced by G.
Protein change: p.Ile434Met; replaces isoleucine 434 with methionine.
Molecular consequence: missense variant. On other transcripts: non-coding transcript variant (2).
Genome position (GRCh38, 1-based): chr3:183,039,101, A>C on the plus strand (T>G on the coding strand, the complement: MCCC1 is on the minus strand). VCF-style: chr3-183039101-A-C. GRCh37 (hg19) VCF-style: chr3-182756889-A-C.
Other names: c.951T>G, p.Ile317Met (NM_001293273.2); c.975T>G, p.Ile325Met (NM_001363880.1); short protein forms I325M, I317M, I434M.
Identifiers: ClinVar variation 664032 (VCV000664032.14), dbSNP rs376289130, ClinGen allele CA2718817.
Genomic context (GRCh38, chr3:183,039,101, plus strand): 5'-GCTGTACCTCAGTTTTGTCAATGCCGCCTGGCGATCTGCTGCCCACACGACCAGCTTCGC[A>C]ATCATGGGGTCATAATGCACGGAAACTTCGTCTCCTGAAATTGAAAACCACGGTAACCTC-3'
Protein context (NP_064551.3, residues 424-444): DEVSVHYDPM[Ile434Met]AKLVVWAADR

ClinVar aggregate classification (germline): Pathogenic/Likely pathogenic. Review status: criteria provided, multiple submitters, no conflicts (2 of 4 stars). 6 submissions from 6 submitters: Pathogenic (2); Likely pathogenic (4). Last evaluated 2025-12-01.

Conditions:
Methylcrotonyl-CoA carboxylase deficiency. Also called: 3 Methylcrotonylglycinuria; Deficiency of methylcrotonoyl-CoA carboxylase; 3-MCC Deficiency. Identifiers: Orphanet 6, MedGen C4551505, MONDO:0018950.
3-methylcrotonyl-CoA carboxylase 1 deficiency (MCC1D). Also called: MCC 1 deficiency; 3 Alpha methylcrotonylglycinuria 1; MCCD TYPE 1; METHYLCROTONYLGLYCINURIA TYPE I. Identifiers: Orphanet 6, MedGen CN028786, MONDO:0008861, OMIM 210200.

Allele frequency attached by ClinVar (database versions not stated): gnomAD exomes 0.00001 and 0.00004; ExAC 0.00004; gnomAD 0.00011; TOPMed 0.00014; 1000 Genomes Project 0.00040; 1000 Genomes Project 30x 0.00047.
gnomAD v4.1: 30 of 1,614,212 alleles (0.0019%); highest among the groups gnomAD compares: African/African-American, 0.032%; no homozygotes.

Submissions (6):

Labcorp Genetics (formerly Invitae), Labcorp
Classification: Pathogenic for 3-methylcrotonyl-CoA carboxylase 1 deficiency. Last evaluated: 2025-12-01. Review status: criteria provided, single submitter. Criteria: Invitae Variant Classification Sherloc (09022015). Collection method: clinical testing. Allele origin: germline.
Comment: This sequence change replaces isoleucine, which is neutral and non-polar, with methionine, which is neutral and non-polar, at codon 434 of the MCCC1 protein (p.Ile434Met). This variant is present in population databases (rs376289130, gnomAD 0.05%). This missense change has been observed in individual(s) with 3-methylcrotonyl-CoA carboxylase deficiency (internal data). In at least one individual the data is consistent with being in trans (on the opposite chromosome) from a pathogenic variant. ClinVar contains an entry for this variant (Variation ID: 664032). Invitae Evidence Modeling of protein sequence and biophysical properties (such as structural, functional, and spatial information, amino acid conservation, physicochemical variation, residue mobility, and thermodynamic stability) has been performed for this missense variant. However, the output from this modeling did not meet the statistical confidence thresholds required to predict the impact of this variant on MCCC1 protein function. For these reasons, this variant has been classified as Pathogenic.

Baylor Genetics
Classification: Pathogenic for 3-methylcrotonyl-CoA carboxylase 1 deficiency. Last evaluated: 2024-03-29. Review status: criteria provided, single submitter. Criteria: ACMG Guidelines, 2015. Collection method: clinical testing. Allele origin: unknown.

Women's Health and Genetics/Laboratory Corporation of America, LabCorp
Classification: Likely pathogenic for Methylcrotonyl-CoA carboxylase deficiency. Last evaluated: 2024-01-16. Review status: criteria provided, single submitter. Criteria: LabCorp Variant Classification Summary - May 2015. Collection method: clinical testing. Allele origin: germline.
Comment: Variant summary: MCCC1 c.1302T>G (p.Ile434Met) results in a conservative amino acid change located in the Biotin carboxylase, C-terminal domain (IPR005482) of the encoded protein sequence. Four of five in-silico tools predict a damaging effect of the variant on protein function. The variant allele was found at a frequency of 4e-05 in 251440 control chromosomes (gnomAD). This frequency is not significantly higher than estimated for a pathogenic variant in MCCC1 causing Methylcrotonyl-CoA Carboxylase Deficiency (4e-05 vs 0.0042), allowing no conclusion about variant significance. c.1302T>G has been reported in the literature in individuals affected with Methylcrotonyl-CoA Carboxylase Deficiency (Grnert_2012, ClinVar data). These data do not allow any conclusion about variant significance. At least one publication reports experimental evidence evaluating an impact on protein function and this variant results in reducing MCC1 wildtype activity (Grnert_2012). The following publications have been ascertained in the context of this evaluation (PMID: 27601257, 22642865). ClinVar contains an entry for this variant (Variation ID: 664032). Based on the evidence outlined above, the variant was classified as likely pathogenic.

Fulgent Genetics
Classification: Likely pathogenic for 3-methylcrotonyl-CoA carboxylase 1 deficiency. Last evaluated: 2023-12-27. Review status: criteria provided, single submitter. Criteria: ACMG Guidelines, 2015. Collection method: clinical testing. Allele origin: germline.

Revvity Omics, Revvity
Classification: Likely pathogenic for 3-methylcrotonyl-CoA carboxylase 1 deficiency. Last evaluated: 2023-10-06. Review status: criteria provided, single submitter. Criteria: ACMG Guidelines, 2015. Collection method: clinical testing. Allele origin: germline.

GeneDx
Classification: Likely pathogenic. Last evaluated: 2023-04-13. Review status: criteria provided, single submitter. Criteria: GeneDx Variant Classification Process June 2021. Collection method: clinical testing. Allele origin: germline. Affected: yes.
Comment: Published functional studies demonstrate significantly reduced enzymatic activity of p.I434M (Grunert et al., 2012); In silico analysis supports that this missense variant has a deleterious effect on protein structure/function; This variant is associated with the following publications: (PMID: 22642865)

Literature cited by the submitters: PubMed 27601257 (cited by Women's Health and Genetics/Laboratory Corporation of America, LabCorp); PubMed 22642865 (cited by Women's Health and Genetics/Laboratory Corporation of America, LabCorp).